The following is an entry in ClinVar:

ClinVar aggregate classification (germline): Benign. Review status: criteria provided, single submitter (1 of 4 stars). 2 submissions from 2 submitters: Benign (1). 1 of the submissions does not count toward it. Last evaluated 2025-11-13.

Conditions:
CCDC88A-related disorder. Also called: CCDC88A-related condition.

Allele frequency attached by ClinVar (database versions not stated): gnomAD 0.00047 and 0.00078; TOPMed 0.00080; gnomAD exomes 0.00089 and 0.00153; ExAC 0.00165; 1000 Genomes Project 30x 0.00265; 1000 Genomes Project 0.00319.
gnomAD v4.1: 1,396 of 1,611,482 alleles (0.087%); highest among the groups gnomAD compares: East Asian, 3%; 22 homozygotes.

Submissions (2):

Labcorp Genetics (formerly Invitae), Labcorp
Classification: Benign. Last evaluated: 2025-11-13. Review status: criteria provided, single submitter. Criteria: Invitae Variant Classification Sherloc (09022015). Collection method: clinical testing. Allele origin: germline.

PreventionGenetics, part of Exact Sciences
Classification: Benign for CCDC88A-related condition. Last evaluated: 2020-01-13. Review status: no assertion criteria provided. Collection method: clinical testing. Allele origin: germline. Not counted in ClinVar's aggregate classification.
Comment: This variant is classified as benign based on ACMG/AMP sequence variant interpretation guidelines (Richards et al. 2015 PMID: 25741868, with internal and published modifications).

NM_001365480.1(CCDC88A):c.5560A>G (p.Lys1854Glu)

Gene: CCDC88A (coiled-coil and HOOK domain protein 88A; minus strand). Cytogenetic location: 2p16.1.
Variant type: single nucleotide variant.
Coding change: c.5560A>G on transcript NM_001365480.1 (MANE Select); coding-DNA position 5560, A replaced by G.
Protein change: p.Lys1854Glu; replaces lysine 1854 with glutamic acid.
Molecular consequence: missense variant.
Genome position (GRCh38, 1-based): chr2:55,291,767, T>C on the plus strand (A>G on the coding strand, the complement: CCDC88A is on the minus strand). VCF-style: chr2-55291767-T-C. GRCh37 (hg19) VCF-style: chr2-55518903-T-C.
Other names: c.5557A>G, p.Lys1853Glu (NM_001135597.2); c.5335A>G, p.Lys1779Glu (NM_001254943.2); c.5476A>G, p.Lys1826Glu (NM_018084.5); short protein forms K1853E, K1826E, K1779E, K1854E.
Identifiers: ClinVar variation 728573 (VCV000728573.12), dbSNP rs2289168, ClinGen allele CA1665245.